The following is an entry in ClinVar:

NM_144701.3(IL23R):c.352G>C (p.Asp118His)

Gene: IL23R (interleukin 23 receptor; plus strand). Cytogenetic location: 1p31.3.
Variant type: single nucleotide variant.
Coding change: c.352G>C on transcript NM_144701.3 (MANE Select); coding-DNA position 352, G replaced by C.
Protein change: p.Asp118His; replaces aspartic acid 118 with histidine.
Molecular consequence: missense variant.
Genome position (GRCh38, 1-based): chr1:67,169,623, G>C. VCF-style: chr1-67169623-G-C. GRCh37 (hg19) VCF-style: chr1-67635306-G-C.
Other names: short protein forms D118H.
Identifiers: ClinVar variation 2788888 (VCV002788888.3), dbSNP rs2525203859, ClinGen allele CA340732732.

ClinVar aggregate classification (germline): Uncertain significance (1 of 4 stars; one submission).

Submission:

Labcorp Genetics (formerly Invitae), Labcorp
Classification: Uncertain significance. Last evaluated: 2023-06-14. Review status: criteria provided, single submitter. Criteria: Invitae Variant Classification Sherloc (09022015). Collection method: clinical testing. Allele origin: germline.
Comment: In summary, the available evidence is currently insufficient to determine the role of this variant in disease. Therefore, it has been classified as a Variant of Uncertain Significance. An algorithm developed to predict the effect of missense changes on protein structure and function (PolyPhen-2) suggests that this variant is likely to be disruptive. This variant has not been reported in the literature in individuals affected with IL23R-related conditions. This variant is not present in population databases (gnomAD no frequency). This sequence change replaces aspartic acid, which is acidic and polar, with histidine, which is basic and polar, at codon 118 of the IL23R protein (p.Asp118His).